The following is an entry in ClinVar:

ClinVar aggregate classification (germline): Benign/Likely benign. Review status: criteria provided, multiple submitters, no conflicts (2 of 4 stars). 3 submissions from 3 submitters: Benign (1); Likely benign (2). Last evaluated 2025-07-08.

Conditions:
Hereditary cancer-predisposing syndrome. Also called: Neoplastic Syndromes, Hereditary; Tumor predisposition; Hereditary Cancer Syndrome; Hereditary neoplastic syndrome. Identifiers: Orphanet 140162, MedGen C0027672, MeSH D009386, MONDO:0015356.
Renal cell carcinoma. Identifiers: Orphanet 217071, MedGen C0007134, MeSH D002292, MONDO:0005086, HP:0005584.
Papillary renal cell carcinoma type 1 (RCCP1). Also called: RENAL CELL CARCINOMA, PAPILLARY, 1, SOMATIC; Renal adenocarcinoma; Renal cell carcinoma 1; Renal cell carcinoma, somatic. Identifiers: Orphanet 47044, MedGen C1336839, OMIM 605074, HP:0011797.

Allele frequency attached by ClinVar (database versions not stated): gnomAD exomes below 0.00001; gnomAD 0.00001; TOPMed 0.00002.
gnomAD v4.1: 3 of 1,613,680 alleles (0.00019%); highest among the groups gnomAD compares: Admixed American, 0.0033%; no homozygotes.

Submissions (3):

Labcorp Genetics (formerly Invitae), Labcorp
Classification: Likely benign for Renal cell carcinoma. Last evaluated: 2025-07-08. Review status: criteria provided, single submitter. Criteria: Invitae Variant Classification Sherloc (09022015). Collection method: clinical testing. Allele origin: germline.

Myriad Genetics, Inc.
Classification: Benign for Papillary renal cell carcinoma type 1. Last evaluated: 2024-11-08. Review status: criteria provided, single submitter. Criteria: Myriad Autosomal Dominant, Autosomal Recessive and X-Linked Classification Criteria (2023). Collection method: clinical testing. Allele origin: unknown.
Comment: This variant is considered benign. This variant is a silent/synonymous amino acid change and it is not expected to impact splicing.

Ambry Genetics
Classification: Likely benign for Hereditary cancer-predisposing syndrome. Last evaluated: 2018-04-30. Review status: criteria provided, single submitter. Criteria: Ambry Variant Classification Scheme 2023. Collection method: clinical testing. Allele origin: germline.

NM_000245.4(MET):c.2196G>A (p.Glu732=)

Gene: MET (MET proto-oncogene, receptor tyrosine kinase; plus strand). Cytogenetic location: 7q31.2.
Variant type: single nucleotide variant.
Coding change: c.2196G>A on transcript NM_000245.4 (MANE Select); coding-DNA position 2196, G replaced by A.
Protein change: p.Glu732=; no amino-acid change (glutamic acid 732 retained).
Molecular consequence: synonymous variant.
Genome position (GRCh38, 1-based): chr7:116,758,552, G>A. VCF-style: chr7-116758552-G-A. GRCh37 (hg19) VCF-style: chr7-116398606-G-A.
Other names: c.2196G>A, p.Glu732= (NM_001127500.3, NM_001324401.3); c.906G>A, p.Glu302= (NM_001324402.2).
Identifiers: ClinVar variation 820867 (VCV000820867.14), dbSNP rs1376208948, ClinGen allele CA457216808.